The following is an entry in ClinVar:

ClinVar aggregate classification (germline): Uncertain significance. Review status: criteria provided, multiple submitters, no conflicts (2 of 4 stars). 2 submissions from 2 submitters: Uncertain significance (2). Last evaluated 2025-02-10.

Conditions:
Gorlin syndrome. Also called: Nevoid Basal Cell Carcinoma Syndrome; Basal cell nevus syndrome. Identifiers: Orphanet 377, MedGen C0004779, MONDO:0007187.
Hereditary cancer-predisposing syndrome. Also called: Tumor predisposition; Neoplastic Syndromes, Hereditary; Hereditary Cancer Syndrome; Hereditary neoplastic syndrome. Identifiers: Orphanet 140162, MedGen C0027672, MeSH D009386, MONDO:0015356.

Submissions (2):

Labcorp Genetics (formerly Invitae), Labcorp
Classification: Uncertain significance for Gorlin syndrome. Last evaluated: 2025-02-10. Review status: criteria provided, single submitter. Criteria: Invitae Variant Classification Sherloc (09022015). Collection method: clinical testing. Allele origin: germline.
Comment: This sequence change replaces valine, which is neutral and non-polar, with alanine, which is neutral and non-polar, at codon 404 of the PTCH1 protein (p.Val404Ala). This variant is not present in population databases (gnomAD no frequency). This variant has not been reported in the literature in individuals affected with PTCH1-related conditions. ClinVar contains an entry for this variant (Variation ID: 2626211). Invitae Evidence Modeling of protein sequence and biophysical properties (such as structural, functional, and spatial information, amino acid conservation, physicochemical variation, residue mobility, and thermodynamic stability) indicates that this missense variant is not expected to disrupt PTCH1 protein function with a negative predictive value of 95%. In summary, the available evidence is currently insufficient to determine the role of this variant in disease. Therefore, it has been classified as a Variant of Uncertain Significance.

Ambry Genetics
Classification: Uncertain significance for Hereditary cancer-predisposing syndrome. Last evaluated: 2023-06-20. Review status: criteria provided, single submitter. Criteria: Ambry Variant Classification Scheme 2023. Collection method: clinical testing. Allele origin: germline.
Comment: The p.V404A variant (also known as c.1211T>C), located in coding exon 8 of the PTCH1 gene, results from a T to C substitution at nucleotide position 1211. The valine at codon 404 is replaced by alanine, an amino acid with similar properties. This amino acid position is well conserved in available vertebrate species. In addition, the in silico prediction for this alteration is inconclusive. Since supporting evidence is limited at this time, the clinical significance of this alteration remains unclear.

NM_000264.5(PTCH1):c.1211T>C (p.Val404Ala)

Gene: PTCH1 (patched 1; minus strand). Cytogenetic location: 9q22.32.
Variant type: single nucleotide variant.
Coding change: c.1211T>C on transcript NM_000264.5 (MANE Select); coding-DNA position 1211, T replaced by C.
Protein change: p.Val404Ala; replaces valine 404 with alanine.
Molecular consequence: missense variant. On other transcripts: non-coding transcript variant (1).
Genome position (GRCh38, 1-based): chr9:95,479,004, A>G on the plus strand (T>C on the coding strand, the complement: PTCH1 is on the minus strand). VCF-style: chr9-95479004-A-G. GRCh37 (hg19) VCF-style: chr9-98241286-A-G.
Other names: c.1013T>C, p.Val338Ala (NM_001083602.3); c.1208T>C, p.Val403Ala (NM_001083603.3); c.758T>C, p.Val253Ala (NM_001083604.3, NM_001083605.3, NM_001083606.3 and 1 more transcripts); c.1211T>C, p.Val404Ala (NM_001354918.2); short protein forms V338A, V403A, V253A, V404A.
Identifiers: ClinVar variation 2626211 (VCV002626211.3), dbSNP rs2538216557, ClinGen allele CA374119211.